The following is an entry in ClinVar:

ClinVar aggregate classification (germline): Uncertain significance (1 of 4 stars; one submission).

Conditions:
Focal segmental glomerulosclerosis 5 (FSGS5). Identifiers: Orphanet 656, MedGen C2750475, MONDO:0013191, OMIM 613237.
Charcot-Marie-Tooth disease dominant intermediate E. Also called: CHARCOT-MARIE-TOOTH NEUROPATHY WITH FOCAL SEGMENTAL GLOMERULONEPHRITIS. Identifiers: Orphanet 93114, MedGen C4302667, MONDO:0013758, OMIM 614455.

Submission:

Labcorp Genetics (formerly Invitae), Labcorp
Classification: Uncertain significance for Charcot-Marie-Tooth disease dominant intermediate E; Focal segmental glomerulosclerosis 5. Last evaluated: 2026-01-12. Review status: criteria provided, single submitter. Criteria: Invitae Variant Classification Sherloc (09022015). Collection method: clinical testing. Allele origin: germline.
Comment: This sequence change replaces proline, which is neutral and non-polar, with arginine, which is basic and polar, at codon 505 of the INF2 protein (p.Pro505Arg). This variant is not present in population databases (gnomAD no frequency). This variant has not been reported in the literature in individuals affected with INF2-related conditions. Invitae Evidence Modeling of protein sequence and biophysical properties (such as structural, functional, and spatial information, amino acid conservation, physicochemical variation, residue mobility, and thermodynamic stability) has been performed for this missense variant. However, the output from this modeling did not meet the statistical confidence thresholds required to predict the impact of this variant on INF2 protein function. In summary, the available evidence is currently insufficient to determine the role of this variant in disease. Therefore, it has been classified as a Variant of Uncertain Significance.

NM_022489.4(INF2):c.1514C>G (p.Pro505Arg)

Gene: INF2 (inverted formin 2; plus strand). Cytogenetic location: 14q32.33.
Variant type: single nucleotide variant.
Coding change: c.1514C>G on transcript NM_022489.4 (MANE Select); coding-DNA position 1514, C replaced by G.
Protein change: p.Pro505Arg; replaces proline 505 with arginine.
Molecular consequence: missense variant. On other transcripts: non-coding transcript variant (1).
Genome position (GRCh38, 1-based): chr14:104,707,781, C>G. VCF-style: chr14-104707781-C-G. GRCh37 (hg19) VCF-style: chr14-105174118-C-G.
Other names: c.1514C>G, p.Pro505Arg (NM_001031714.4, NM_001426862.1, NM_001426863.1 and 2 more transcripts); short protein forms P505R.
Identifiers: ClinVar variation 4792537 (VCV004792537.1).